The following is an entry in ClinVar:

ClinVar aggregate classification (germline): Uncertain significance. Review status: criteria provided, multiple submitters, no conflicts (2 of 4 stars). 2 submissions from 2 submitters: Uncertain significance (2). Last evaluated 2025-09-22.

Submissions (2):

GeneDx
Classification: Uncertain significance. Last evaluated: 2025-09-22. Review status: criteria provided, single submitter. Criteria: GeneDx Variant Classification Process June 2021. Collection method: clinical testing. Allele origin: germline.
Comment: Not observed at significant frequency in large population cohorts (gnomAD); In silico analysis supports that this missense variant has a deleterious effect on protein structure/function; Has not been previously published as pathogenic or benign to our knowledge

CeGaT Center for Human Genetics Tuebingen
Classification: Uncertain significance. Last evaluated: 2025-01-01. Review status: criteria provided, single submitter. Criteria: CeGaT Center For Human Genetics Tuebingen Variant Classification Criteria Version 2. Collection method: clinical testing. Allele origin: germline. Affected: yes. Observed: 1 variant allele.
Comment: SRCAP: PM2, PP2, PP3

NM_006662.3(SRCAP):c.487C>T (p.Arg163Trp)

Gene: SRCAP (Snf2 related CREBBP activator protein; plus strand). Cytogenetic location: 16p11.2.
Variant type: single nucleotide variant.
Coding change: c.487C>T on transcript NM_006662.3 (MANE Select); coding-DNA position 487, C replaced by T.
Protein change: p.Arg163Trp; replaces arginine 163 with tryptophan.
Molecular consequence: missense variant.
Genome position (GRCh38, 1-based): chr16:30,707,363, C>T. VCF-style: chr16-30707363-C-T. GRCh37 (hg19) VCF-style: chr16-30718684-C-T.
Other names: short protein forms R163W.
Identifiers: ClinVar variation 3365391 (VCV003365391.15).